The following is an entry in ClinVar:

ClinVar aggregate classification (germline): Pathogenic/Likely pathogenic. Review status: criteria provided, multiple submitters, no conflicts (2 of 4 stars). 3 submissions from 3 submitters: Pathogenic (2); Likely pathogenic (1). Last evaluated 2022-01-19.

Conditions:
Familial X-linked hypophosphatemic vitamin D refractory rickets (XLHRD). Also called: Hypophosphatemia, vitamin D-resistant rickets; Vitamin D-resistant rickets, X-linked; X-Linked Hypophosphatemia; Hypophosphatemic Rickets, X-Linked Dominant; HYPOPHOSPHATEMIC VITAMIN D-RESISTANT RICKETS. Identifiers: Orphanet 89936, MedGen C0733682, MONDO:0010619, OMIM 307800.

Submissions (3):

Fulgent Genetics
Classification: Likely pathogenic for Familial X-linked hypophosphatemic vitamin D refractory rickets. Last evaluated: 2022-01-19. Review status: criteria provided, single submitter. Criteria: ACMG Guidelines, 2015. Collection method: clinical testing. Allele origin: unknown.

Institute of Human Genetics Munich, TUM University Hospital
Classification: Pathogenic for Familial X-linked hypophosphatemic vitamin D refractory rickets. Last evaluated: 2017-08-31. Review status: criteria provided, single submitter. Criteria: Classification criteria August 2017. Collection method: clinical testing. Allele origin: germline. Inheritance: X-linked inheritance. Affected: yes. Observed: 1 heterozygote.

GeneDx
Classification: Pathogenic. Last evaluated: 2016-03-18. Review status: criteria provided, single submitter. Criteria: GeneDx Variant Classification (06012015). Collection method: clinical testing. Allele origin: germline. Affected: yes.
Comment: The c.2193delT pathogenic variant in the PHEX gene causes a frameshift starting with codon Phenylalanine 731, changes this amino acid to a Leucine residue and creates a premature Stop codon at position 9 of the new reading frame, denoted p.Phe731LeufsX9. This pathogenic variant is predicted to cause loss of normal protein function through protein truncation. Specifically, the last 19 correct amino acids are lost and replaced by 8 incorrect amino acids. The c.2193delT variant was not observed in approximately 6,500 individuals of European and African American ancestry in the NHLBI Exome Sequencing Project, indicating it is not a common benign variant in these populations.

NM_000444.6(PHEX):c.2193del (p.Phe731fs)

Genes: PHEX (phosphate regulating endopeptidase X-linked; plus strand), PTCHD1-AS (PTCHD1 and PHEX antisense RNA; minus strand). Cytogenetic location: Xp22.11.
Variant type: Deletion.
Coding change: c.2193del on transcript NM_000444.6 (MANE Select); coding-DNA position 2193, one base deleted (T; older notation c.2193delT).
Protein change: p.Phe731fs; shifts the reading frame from phenylalanine 731.
Molecular consequence: frameshift variant. On other transcripts: 3 prime UTR variant (1).
Genome position (GRCh38, 1-based): chrX:22,247,896, T deleted; the last of 4 consecutive T bases (chrX:22,247,893-22,247,896); deleting any one gives the same sequence. VCF-style (leftmost placement, unchanged base first): chrX-22247892-CT-C. GRCh37 (hg19) VCF-style: chrX-22266009-CT-C.
Other names: c.*28del (NM_001282754.2); short protein forms F731fs.
Identifiers: ClinVar variation 280420 (VCV000280420.5), dbSNP rs886041631, ClinGen allele CA10603580.